The following is an entry in ClinVar:

NM_001414.4(EIF2B1):c.417A>G (p.Glu139=)

Gene: EIF2B1 (eukaryotic translation initiation factor 2B subunit alpha; minus strand). Cytogenetic location: 12q24.31.
Variant type: single nucleotide variant.
Coding change: c.417A>G on transcript NM_001414.4 (MANE Select); coding-DNA position 417, A replaced by G.
Protein change: p.Glu139=; no amino-acid change (glutamic acid 139 retained).
Molecular consequence: synonymous variant.
Genome position (GRCh38, 1-based): chr12:123,627,109, T>C on the plus strand (A>G on the coding strand, the complement: EIF2B1 is on the minus strand). VCF-style: chr12-123627109-T-C. GRCh37 (hg19) VCF-style: chr12-124111656-T-C.
Other names: p.Glu139=.
Identifiers: ClinVar variation 307529 (VCV000307529.17), dbSNP rs73414297, ClinGen allele CA6860135.

ClinVar aggregate classification (germline): Benign. Review status: criteria provided, multiple submitters, no conflicts (2 of 4 stars). 4 submissions from 4 submitters: Benign (4). Last evaluated 2026-01-31.

Conditions:
Vanishing white matter disease. Also called: CACH syndrome; Childhood ataxia with diffuse central nervous system hypomyelination; Leukoencephalopathy with vanishing white matter; CACH/VWM syndrome; Cree leukoencehalopathy. Identifiers: Orphanet 135, Orphanet 99853, MedGen C1858991, MONDO:0800448.

Allele frequency attached by ClinVar (database versions not stated): gnomAD exomes 0.00076 and 0.00210; ExAC 0.00273; gnomAD 0.00882 and 0.00961; 1000 Genomes Project 30x 0.00953; 1000 Genomes Project 0.00958; TOPMed 0.00962; ESP Exome Variant Server 0.01084.
gnomAD v4.1: 2,511 of 1,614,210 alleles (0.16%); highest among the groups gnomAD compares: African/African-American, 3%; 38 homozygotes.

Submissions (4):

Labcorp Genetics (formerly Invitae), Labcorp
Classification: Benign. Last evaluated: 2026-01-31. Review status: criteria provided, single submitter. Criteria: Invitae Variant Classification Sherloc (09022015). Collection method: clinical testing. Allele origin: germline.

Mayo Clinic Laboratories, Mayo Clinic
Classification: Benign. Last evaluated: 2024-08-21. Review status: criteria provided, single submitter. Criteria: ACMG Guidelines, 2015. Collection method: clinical testing. Allele origin: germline. Observed: 3 variant alleles.
Comment: BS1, BS2, BP4, BP7

Illumina Laboratory Services, Illumina
Classification: Benign for Leukoencephalopathy with vanishing white matter 1. Last evaluated: 2018-01-13. Review status: criteria provided, single submitter. Criteria: ICSL Variant Classification Criteria 13 December 2019. Collection method: clinical testing. Allele origin: germline.
Comment: This variant was observed in the ICSL laboratory as part of a predisposition screen in an ostensibly healthy population. It had not been previously curated by ICSL or reported in the Human Gene Mutation Database (HGMD: prior to June 1st, 2018), and was therefore a candidate for classification through an automated scoring system. Utilizing variant allele frequency, disease prevalence and penetrance estimates, and inheritance mode, an automated score was calculated to assess if this variant is too frequent to cause the disease. Based on the score and internal cut-off values, a variant classified as benign is not then subjected to further curation. The score for this variant resulted in a classification of benign for this disease.

Breakthrough Genomics
Classification: Benign. Review status: criteria provided, single submitter. Criteria: ACMG Guidelines, 2015. Collection method: not provided. Allele origin: germline. Inheritance: Autosomal recessive inheritance. Affected: yes.